The following is an entry in ClinVar:

ClinVar aggregate classification (germline): Likely benign (0 of 4 stars; one submission).

Conditions:
RAI1-related disorder. Also called: RAI1-related condition.

gnomAD v4.1: 7 of 1,613,794 alleles (0.00043%); highest among the groups gnomAD compares: Non-Finnish European, 0.00059%; no homozygotes.

Submission:

PreventionGenetics, part of Exact Sciences
Classification: Likely benign for RAI1-related condition. Last evaluated: 2019-12-26. Review status: no assertion criteria provided. Collection method: clinical testing. Allele origin: germline.
Comment: This variant is classified as likely benign based on ACMG/AMP sequence variant interpretation guidelines (Richards et al. 2015 PMID: 25741868, with internal and published modifications).

NM_030665.4(RAI1):c.4260T>C (p.Ser1420=)

Gene: RAI1 (retinoic acid induced 1; plus strand). Cytogenetic location: 17p11.2.
Variant type: single nucleotide variant.
Coding change: c.4260T>C on transcript NM_030665.4 (MANE Select); coding-DNA position 4260, T replaced by C.
Protein change: p.Ser1420=; no amino-acid change (serine 1420 retained).
Molecular consequence: synonymous variant.
Genome position (GRCh38, 1-based): chr17:17,797,208, T>C. VCF-style: chr17-17797208-T-C. GRCh37 (hg19) VCF-style: chr17-17700522-T-C.
Identifiers: ClinVar variation 3356720 (VCV003356720.1).